The following is an entry in ClinVar:

ClinVar aggregate classification (germline): Uncertain significance. Review status: criteria provided, multiple submitters, no conflicts (2 of 4 stars). 2 submissions from 2 submitters: Uncertain significance (2). Last evaluated 2025-11-04.

Allele frequency attached by ClinVar (database versions not stated): gnomAD 0.00001; gnomAD exomes 0.00002; ExAC 0.00003; ESP Exome Variant Server 0.00008.
gnomAD v4.1: 15 of 1,613,392 alleles (0.00093%); highest among the groups gnomAD compares: Admixed American, 0.005%; no homozygotes.

Submissions (2):

Labcorp Genetics (formerly Invitae), Labcorp
Classification: Uncertain significance. Last evaluated: 2025-11-04. Review status: criteria provided, single submitter. Criteria: Invitae Variant Classification Sherloc (09022015). Collection method: clinical testing. Allele origin: germline.
Comment: This sequence change replaces arginine, which is basic and polar, with tryptophan, which is neutral and slightly polar, at codon 620 of the TCF3 protein (p.Arg620Trp). This variant is present in population databases (rs367895437, gnomAD 0.009%). This variant has not been reported in the literature in individuals affected with TCF3-related conditions. ClinVar contains an entry for this variant (Variation ID: 1369470). Invitae Evidence Modeling of protein sequence and biophysical properties (such as structural, functional, and spatial information, amino acid conservation, physicochemical variation, residue mobility, and thermodynamic stability) indicates that this missense variant is expected to disrupt TCF3 protein function with a positive predictive value of 80%. In summary, the available evidence is currently insufficient to determine the role of this variant in disease. Therefore, it has been classified as a Variant of Uncertain Significance.

CeGaT Center for Human Genetics Tuebingen
Classification: Uncertain significance. Last evaluated: 2025-08-01. Review status: criteria provided, single submitter. Criteria: CeGaT Center For Human Genetics Tuebingen Variant Classification Criteria Version 2. Collection method: clinical testing. Allele origin: germline. Affected: yes. Observed: 1 variant allele.

NM_003200.5(TCF3):c.1858C>T (p.Arg620Trp)

Gene: TCF3 (transcription factor 3; minus strand). Cytogenetic location: 19p13.3.
Variant type: single nucleotide variant.
Coding change: c.1858C>T on transcript NM_003200.5 (MANE Select); coding-DNA position 1858, C replaced by T.
Protein change: p.Arg620Trp; replaces arginine 620 with tryptophan.
Molecular consequence: missense variant.
Genome position (GRCh38, 1-based): chr19:1,611,814, G>A on the plus strand (C>T on the coding strand, the complement: TCF3 is on the minus strand). VCF-style: chr19-1611814-G-A. GRCh37 (hg19) VCF-style: chr19-1611813-G-A.
Other names: c.1849C>T, p.Arg617Trp (NM_001136139.4, NM_001351779.2); c.1855C>T, p.Arg619Trp (NM_001351778.2); short protein forms R619W, R617W, R620W.
Identifiers: ClinVar variation 1369470 (VCV001369470.14), dbSNP rs367895437, ClinGen allele CA9049521.